The following is an entry in ClinVar:

NM_001354604.2(MITF):c.104+54808T>A

Gene: MITF (melanocyte inducing transcription factor; plus strand). Cytogenetic location: 3p13.
Variant type: single nucleotide variant.
Coding change: c.104+54808T>A on transcript NM_001354604.2 (MANE Select); 54808 bases into the intron after coding-DNA position 104, T replaced by A.
Molecular consequence: intron variant. On other transcripts: missense variant (1).
Genome position (GRCh38, 1-based): chr3:69,794,509, T>A. VCF-style: chr3-69794509-T-A. GRCh37 (hg19) VCF-style: chr3-69843660-T-A.
Other names: c.47T>A, p.Met16Lys (NM_001354607.2); c.-91-44085T>A (NM_001354608.2); c.104+54808T>A (NM_198159.3, NM_001354605.2, NM_001354606.2); c.-53+30817T>A (NM_001184967.2); c.101+30567T>A (NM_006722.3); short protein forms M16K.
Identifiers: ClinVar variation 4856932 (VCV004856932.2).

ClinVar aggregate classification (germline): Benign (1 of 4 stars; one submission).

gnomAD v4.1: 713 of 152,308 alleles (0.47%); highest among the groups gnomAD compares: African/African-American, 1.6%; 8 homozygotes.

Submission:

Dasa
Classification: Benign. Last evaluated: 2025-12-29. Review status: criteria provided, single submitter. Criteria: DASA Assertion Criteria. Collection method: clinical testing. Allele origin: germline.
Comment: NM_001354607.2(MITF):c.47T>A (p.Met16Lys) is a missense variant that results in the substitution of methionine with lysine. Population frequency is inconsistent with a disease-causing role for this variant, and observations in unaffected individuals support a benign interpretation. Therefore, based on the currently available evidence, this variant is classified as benign.